The following is an entry in ClinVar:

ClinVar aggregate classification (germline): Uncertain significance. Review status: criteria provided, multiple submitters, no conflicts (2 of 4 stars). 2 submissions from 2 submitters: Uncertain significance (2). Last evaluated 2025-07-22.

gnomAD v4.1: 32 of 1,614,058 alleles (0.002%); highest among the groups gnomAD compares: Non-Finnish European, 0.0025%; no homozygotes.

Submissions (2):

Women's Health and Genetics/Laboratory Corporation of America, LabCorp
Classification: Uncertain significance. Last evaluated: 2025-07-22. Review status: criteria provided, single submitter. Criteria: LabCorp Variant Classification Summary - May 2015. Collection method: clinical testing. Allele origin: germline.
Comment: Variant summary: ATP6V0A2 c.1246G>A (p.Gly416Arg) results in a non-conservative amino acid change in the encoded protein sequence. Algorithms developed to predict the effect of missense changes on protein structure and function all suggest that this variant is likely to be disruptive. The variant allele was found at a frequency of 8e-06 in 251476 control chromosomes. The available data on variant occurrences in the general population are insufficient to allow any conclusion about variant significance. c.1246G>A has been observed in an individual affected with Cutis Laxa - ATP6V0A2 Related (Fisher_2012). These data do not allow any conclusion about variant significance. To our knowledge, no experimental evidence demonstrating an impact on protein function has been reported. The following publication have been ascertained in the context of this evaluation (PMID: 22773132). No submitters have cited clinical-significance assessments for this variant to ClinVar. Based on the evidence outlined above, the variant was classified as uncertain significance.

Mayo Clinic Laboratories, Mayo Clinic
Classification: Uncertain significance. Last evaluated: 2024-12-05. Review status: criteria provided, single submitter. Criteria: ACMG Guidelines, 2015. Collection method: clinical testing. Allele origin: germline. Observed: 1 variant allele.
Comment: PP3_moderate, PM2_supporting

Literature cited by the submitters: PubMed 22773132 (cited by Women's Health and Genetics/Laboratory Corporation of America, LabCorp and Mayo Clinic Laboratories, Mayo Clinic); PubMed 33369135 (cited by Mayo Clinic Laboratories, Mayo Clinic).

NM_012463.4(ATP6V0A2):c.1246G>A (p.Gly416Arg)

Gene: ATP6V0A2 (ATPase H+ transporting V0 subunit a2; plus strand). Cytogenetic location: 12q24.31.
Variant type: single nucleotide variant.
Coding change: c.1246G>A on transcript NM_012463.4 (MANE Select); coding-DNA position 1246, G replaced by A.
Protein change: p.Gly416Arg; replaces glycine 416 with arginine.
Molecular consequence: missense variant.
Genome position (GRCh38, 1-based): chr12:123,744,257, G>A. VCF-style: chr12-123744257-G-A. GRCh37 (hg19) VCF-style: chr12-124228804-G-A.
Other names: p.Gly416Arg; short protein forms G416R.
Identifiers: ClinVar variation 4525690 (VCV004525690.2).
Genomic context (GRCh38, chr12:123,744,257, plus strand): 5'-GCAGCTCTCTTTACCATCATCACCTTCCCGTTTTTATTTGCTGTGATGTTTGGAGACTTC[G>A]GACATGGCTTTGTGATGTTTTTATTTGCCCTCTTGTTGGTGTTAAATGAAAATCATCCCA-3'
Protein context (NP_036595.2, residues 406-426): FLFAVMFGDF[Gly416Arg]HGFVMFLFAL